The following is an entry in ClinVar:

ClinVar aggregate classification (germline): Uncertain significance (1 of 4 stars; one submission).

Conditions:
Autosomal recessive limb-girdle muscular dystrophy type R18 (LGMDR18). Also called: MUSCULAR DYSTROPHY, LIMB-GIRDLE, AUTOSOMAL RECESSIVE 18; Limb-girdle muscular dystrophy, type 2S; Autosomal recessive limb-girdle muscular dystrophy type 2S. Identifiers: Orphanet 369840, MedGen C4517996, MONDO:0014144, OMIM 615356.

Allele frequency attached by ClinVar (database versions not stated): gnomAD below 0.00001 and 0.00003; gnomAD exomes 0.00001 and 0.00005; ExAC 0.00007.
gnomAD v4.1: 27 of 1,552,716 alleles (0.0017%); highest among the groups gnomAD compares: South Asian, 0.032%; no homozygotes.

Submission:

Labcorp Genetics (formerly Invitae), Labcorp
Classification: Uncertain significance for Autosomal recessive limb-girdle muscular dystrophy type R18. Last evaluated: 2022-02-10. Review status: criteria provided, single submitter. Criteria: Invitae Variant Classification Sherloc (09022015). Collection method: clinical testing. Allele origin: germline.
Comment: This sequence change replaces proline, which is neutral and non-polar, with alanine, which is neutral and non-polar, at codon 661 of the TRAPPC11 protein (p.Pro661Ala). This variant is present in population databases (rs764163856, gnomAD 0.04%). This variant has not been reported in the literature in individuals affected with TRAPPC11-related conditions. ClinVar contains an entry for this variant (Variation ID: 961942). Algorithms developed to predict the effect of missense changes on protein structure and function are either unavailable or do not agree on the potential impact of this missense change (SIFT: "Tolerated"; PolyPhen-2: "Possibly Damaging"; Align-GVGD: "Class C0"). In summary, the available evidence is currently insufficient to determine the role of this variant in disease. Therefore, it has been classified as a Variant of Uncertain Significance.

NM_021942.6(TRAPPC11):c.1981C>G (p.Pro661Ala)

Gene: TRAPPC11 (trafficking protein particle complex subunit 11; plus strand). Cytogenetic location: 4q35.1.
Variant type: single nucleotide variant.
Coding change: c.1981C>G on transcript NM_021942.6 (MANE Select); coding-DNA position 1981, C replaced by G.
Protein change: p.Pro661Ala; replaces proline 661 with alanine.
Molecular consequence: missense variant.
Genome position (GRCh38, 1-based): chr4:183,691,403, C>G. VCF-style: chr4-183691403-C-G. GRCh37 (hg19) VCF-style: chr4-184612556-C-G.
Other names: c.1981C>G, p.Pro661Ala (NM_199053.3); short protein forms P661A.
Identifiers: ClinVar variation 961942 (VCV000961942.7), dbSNP rs764163856, ClinGen allele CA3152062.